The following is an entry in ClinVar:

ClinVar aggregate classification (germline): Uncertain significance (1 of 4 stars; one submission).

Conditions:
Benign neonatal seizures. Also called: Benign familial neonatal seizures; Convulsions benign familial neonatal dominant form; Autosomal dominant form of benign neonatal seizures; Benign neonatal familial convulsions; Benign familial neonatal epilepsy. Identifiers: Orphanet 1949, MedGen C0220669, MONDO:0016027.

Submission:

Labcorp Genetics (formerly Invitae), Labcorp
Classification: Uncertain significance for Benign neonatal seizures. Last evaluated: 2024-05-29. Review status: criteria provided, single submitter. Criteria: Invitae Variant Classification Sherloc (09022015). Collection method: clinical testing. Allele origin: germline.
Comment: This sequence change replaces tryptophan, which is neutral and slightly polar, with serine, which is neutral and polar, at codon 121 of the KCNQ3 protein (p.Trp121Ser). This variant is not present in population databases (gnomAD no frequency). This variant has not been reported in the literature in individuals affected with KCNQ3-related conditions. Advanced modeling of protein sequence and biophysical properties (such as structural, functional, and spatial information, amino acid conservation, physicochemical variation, residue mobility, and thermodynamic stability) performed at Invitae indicates that this missense variant is not expected to disrupt KCNQ3 protein function with a negative predictive value of 80%. In summary, the available evidence is currently insufficient to determine the role of this variant in disease. Therefore, it has been classified as a Variant of Uncertain Significance.

NM_004519.4(KCNQ3):c.362G>C (p.Trp121Ser)

Gene: KCNQ3 (potassium voltage-gated channel subfamily Q member 3; minus strand). Cytogenetic location: 8q24.22.
Variant type: single nucleotide variant.
Coding change: c.362G>C on transcript NM_004519.4 (MANE Select); coding-DNA position 362, G replaced by C.
Protein change: p.Trp121Ser; replaces tryptophan 121 with serine.
Molecular consequence: missense variant.
Genome position (GRCh38, 1-based): chr8:132,480,171, C>G on the plus strand (G>C on the coding strand, the complement: KCNQ3 is on the minus strand). VCF-style: chr8-132480171-C-G. GRCh37 (hg19) VCF-style: chr8-133492418-C-G.
Other names: short protein forms W121S.
Identifiers: ClinVar variation 3683952 (VCV003683952.2).